The following is an entry in ClinVar:

NM_001999.4(FBN2):c.3459G>A (p.Met1153Ile)

Gene: FBN2 (fibrillin 2; minus strand). Cytogenetic location: 5q23.3.
Variant type: single nucleotide variant.
Coding change: c.3459G>A on transcript NM_001999.4 (MANE Select); coding-DNA position 3459, G replaced by A.
Protein change: p.Met1153Ile; replaces methionine 1153 with isoleucine.
Molecular consequence: missense variant.
Genome position (GRCh38, 1-based): chr5:128,338,946, C>T on the plus strand (G>A on the coding strand, the complement: FBN2 is on the minus strand). VCF-style: chr5-128338946-C-T. GRCh37 (hg19) VCF-style: chr5-127674638-C-T.
Other names: short protein forms M1153I.
Identifiers: ClinVar variation 3605676 (VCV003605676.2).

ClinVar aggregate classification (germline): Uncertain significance (1 of 4 stars; one submission).

Conditions:
Congenital contractural arachnodactyly (CCA). Also called: BEALS SYNDROME; Beals-Hecht syndrome; Arthrogryposis, distal, type 9. Identifiers: Orphanet 115, MedGen C0220668, MONDO:0007363, OMIM 121050.

Submission:

Labcorp Genetics (formerly Invitae), Labcorp
Classification: Uncertain significance for Congenital contractural arachnodactyly. Last evaluated: 2024-07-27. Review status: criteria provided, single submitter. Criteria: Invitae Variant Classification Sherloc (09022015). Collection method: clinical testing. Allele origin: germline.
Comment: This sequence change replaces methionine, which is neutral and non-polar, with isoleucine, which is neutral and non-polar, at codon 1153 of the FBN2 protein (p.Met1153Ile). This variant is not present in population databases (gnomAD no frequency). This variant has not been reported in the literature in individuals affected with FBN2-related conditions. Advanced modeling of protein sequence and biophysical properties (such as structural, functional, and spatial information, amino acid conservation, physicochemical variation, residue mobility, and thermodynamic stability) has been performed at Invitae for this missense variant, however the output from this modeling did not meet the statistical confidence thresholds required to predict the impact of this variant on FBN2 protein function. In summary, the available evidence is currently insufficient to determine the role of this variant in disease. Therefore, it has been classified as a Variant of Uncertain Significance.